The following is an entry in ClinVar:

NM_007294.4(BRCA1):c.608A>T (p.Glu203Val)

Gene: BRCA1 (BRCA1 DNA repair associated; minus strand). Cytogenetic location: 17q21.31.
Variant type: single nucleotide variant.
Coding change: c.608A>T on transcript NM_007294.4 (MANE Select); coding-DNA position 608, A replaced by T.
Protein change: p.Glu203Val; replaces glutamic acid 203 with valine.
Molecular consequence: missense variant. On other transcripts: non-coding transcript variant (1).
Genome position (GRCh38, 1-based): chr17:43,095,908, T>A on the plus strand (A>T on the coding strand, the complement: BRCA1 is on the minus strand). VCF-style: chr17-43095908-T-A. GRCh37 (hg19) VCF-style: chr17-41247925-T-A.
Other names: c.395A>T, p.Glu132Val (NM_001407571.1, NM_001407853.1, NM_001407894.1 and 12 more transcripts); c.608A>T, p.Glu203Val (NM_001407581.1, NM_001407582.1, NM_001407583.1 and 59 more transcripts); c.605A>T, p.Glu202Val (NM_001407587.1, NM_001407590.1, NM_001407591.1 and 41 more transcripts); c.599A>T, p.Glu200Val (NM_001407646.1, NM_001407647.1, NM_001408408.1); c.530A>T, p.Glu177Val (NM_001407653.1, NM_001407654.1, NM_001407655.1 and 9 more transcripts); c.527A>T, p.Glu176Val (NM_001407659.1, NM_001407660.1, NM_001407661.1 and 3 more transcripts); c.467A>T, p.Glu156Val (NM_001407692.1, NM_001407694.1, NM_001407695.1 and 43 more transcripts); c.464A>T, p.Glu155Val (NM_001407740.1, NM_001407741.1, NM_001407742.1 and 26 more transcripts); and 4 more; short protein forms E133V, E156V, E200V, E76V, E132V, E177V, E75V, E176V.
Identifiers: ClinVar variation 1751493 (VCV001751493.2), dbSNP rs2154515011, ClinGen allele CA10600888.

ClinVar aggregate classification (germline): Uncertain significance (1 of 4 stars; one submission).

Conditions:
Hereditary cancer-predisposing syndrome. Also called: Hereditary Cancer Syndrome; Hereditary neoplastic syndrome; Neoplastic Syndromes, Hereditary; Tumor predisposition. Identifiers: Orphanet 140162, MedGen C0027672, MeSH D009386, MONDO:0015356.

Submission:

Ambry Genetics
Classification: Uncertain significance for Hereditary cancer-predisposing syndrome. Last evaluated: 2022-08-24. Review status: criteria provided, single submitter. Criteria: Ambry Variant Classification Scheme 2023. Collection method: clinical testing. Allele origin: germline.
Comment: The p.E203V variant (also known as c.608A>T), located in coding exon 8 of the BRCA1 gene, results from an A to T substitution at nucleotide position 608. The glutamic acid at codon 203 is replaced by valine, an amino acid with dissimilar properties. This amino acid position is well conserved in available vertebrate species. In addition, this alteration is predicted to be deleterious by in silico analysis. Since supporting evidence is limited at this time, the clinical significance of this alteration remains unclear.